The following is an entry in ClinVar:

ClinVar aggregate classification (germline): Likely pathogenic. Review status: criteria provided, single submitter (1 of 4 stars). 2 submissions from 2 submitters: Likely pathogenic (1). 1 of the submissions does not count toward it. Last evaluated 2026-01-26.

Conditions:
Ataxia-telangiectasia-like disorder (ATLD). Identifiers: MedGen C1858391, MONDO:0011457.
Ataxia-telangiectasia-like disorder 1 (ATLD1). Identifiers: Orphanet 251347, MedGen C4012790, MONDO:0024557, OMIM 604391.

Allele frequency attached by ClinVar (database versions not stated): gnomAD exomes below 0.00001; TOPMed below 0.00001; ExAC 0.00001.
gnomAD v4.1: 6 of 1,613,976 alleles (0.00037%); highest among the groups gnomAD compares: South Asian, 0.0011%; no homozygotes.

Submissions (2):

Labcorp Genetics (formerly Invitae), Labcorp
Classification: Likely pathogenic for Ataxia-telangiectasia-like disorder. Last evaluated: 2026-01-26. Review status: criteria provided, single submitter. Criteria: Invitae Variant Classification Sherloc (09022015). Collection method: clinical testing. Allele origin: germline.
Comment: This sequence change replaces threonine, which is neutral and polar, with lysine, which is basic and polar, at codon 481 of the MRE11 protein (p.Thr481Lys). This variant is present in population databases (rs137852762, gnomAD 0.003%). This missense change has been observed in individual(s) with ataxia-telangiectasia-like disorder (PMID: 15269180, 33624863, 33956305). In at least one individual the data is consistent with being in trans (on the opposite chromosome) from a pathogenic variant. It has also been observed to segregate with disease in related individuals. ClinVar contains an entry for this variant (Variation ID: 8785). An algorithm developed to predict the effect of missense changes on protein structure and function (PolyPhen-2) suggests that this variant is likely to be disruptive. Experimental studies have shown that this missense change affects MRE11 function (PMID: 15269180). In summary, the currently available evidence indicates that the variant is pathogenic, but additional data are needed to prove that conclusively. Therefore, this variant has been classified as Likely Pathogenic.

OMIM
Classification: Pathogenic for ATAXIA-TELANGIECTASIA-LIKE DISORDER 1. Last evaluated: 2004-09-15. Review status: no assertion criteria provided. Collection method: literature only. Allele origin: germline. Not counted in ClinVar's aggregate classification.

Literature cited by the submitters: PubMed 15269180 (cited by Labcorp Genetics (formerly Invitae), Labcorp and OMIM); PubMed 33624863 (cited by Labcorp Genetics (formerly Invitae), Labcorp); PubMed 33956305 (cited by Labcorp Genetics (formerly Invitae), Labcorp).

NM_005591.4(MRE11):c.1442C>A (p.Thr481Lys)

Gene: MRE11 (MRE11 double strand break repair nuclease; minus strand). Cytogenetic location: 11q21.
Variant type: single nucleotide variant.
Coding change: c.1442C>A on transcript NM_005591.4 (MANE Select); coding-DNA position 1442, C replaced by A.
Protein change: p.Thr481Lys; replaces threonine 481 with lysine.
Molecular consequence: missense variant.
Genome position (GRCh38, 1-based): chr11:94,459,466, G>T on the plus strand (C>A on the coding strand, the complement: MRE11 is on the minus strand). VCF-style: chr11-94459466-G-T. GRCh37 (hg19) VCF-style: chr11-94192632-G-T.
Other names: c.1442C>A, p.Thr481Lys (NM_001330347.2, NM_005590.4); short protein forms T481K.
Identifiers: ClinVar variation 8785 (VCV000008785.5), dbSNP rs137852762, ClinGen allele CA119927.
Genomic context (GRCh38, chr11:94,459,466, plus strand): 5'-ACCTCCTCATCGATTTTGTCTTCGAGGGCATCAATATGACGTTCTTTAAGAAATCGCTGT[G>T]TTTTTTCCAACTGGTATTTCACTAATTCCTCAATGGCATCTTTCTCCTCCTTGTCCACAA-3'
Protein context (NP_005582.1, residues 471-491): EELVKYQLEK[Thr481Lys]QRFLKERHID